The following is an entry in ClinVar:

NM_000321.3(RB1):c.1455T>C (p.Ser485=)

Gene: RB1 (RB transcriptional corepressor 1; plus strand). Cytogenetic location: 13q14.2.
Variant type: single nucleotide variant.
Coding change: c.1455T>C on transcript NM_000321.3 (MANE Select); coding-DNA position 1455, T replaced by C.
Protein change: p.Ser485=; no amino-acid change (serine 485 retained).
Molecular consequence: synonymous variant.
Genome position (GRCh38, 1-based): chr13:48,380,198, T>C. VCF-style: chr13-48380198-T-C. GRCh37 (hg19) VCF-style: chr13-48954334-T-C.
Other names: c.1455T>C, p.Ser485= (NM_001407165.1, NM_001407166.1).
Identifiers: ClinVar variation 1773049 (VCV001773049.8), dbSNP rs1399128070, ClinGen allele CA483559281.

ClinVar aggregate classification (germline): Benign/Likely benign. Review status: criteria provided, multiple submitters, no conflicts (2 of 4 stars). 3 submissions from 3 submitters: Benign (1); Likely benign (2). Last evaluated 2026-06-24.

Conditions:
Hereditary cancer-predisposing syndrome. Also called: Neoplastic Syndromes, Hereditary; Tumor predisposition; Hereditary neoplastic syndrome; Hereditary Cancer Syndrome. Identifiers: Orphanet 140162, MedGen C0027672, MeSH D009386, MONDO:0015356.
Retinoblastoma (RB1). Also called: RETINOBLASTOMA, SOMATIC. Identifiers: Orphanet 790, MedGen C0035335, MeSH D012175, MONDO:0008380, OMIM 180200, HP:0009919. Disease mechanism: loss of function. Inheritance: Both sporadic and heritable forms are tested..

Allele frequency attached by ClinVar (database versions not stated): gnomAD 0.00001; gnomAD exomes below 0.00001; TOPMed 0.00001.
gnomAD v4.1: 2 of 1,605,670 alleles (0.00012%); highest among the groups gnomAD compares: East Asian, 0.0045%; no homozygotes.

Submissions (3):

Myriad Genetics, Inc.
Classification: Benign for Retinoblastoma. Last evaluated: 2026-06-24. Review status: criteria provided, single submitter. Criteria: Myriad Autosomal Dominant, Autosomal Recessive and X-Linked Classification Criteria (2023). Collection method: clinical testing. Allele origin: unknown.
Comment: This variant is considered benign. This variant is a silent/synonymous amino acid change and it is not expected to impact splicing.

Labcorp Genetics (formerly Invitae), Labcorp
Classification: Likely benign for Retinoblastoma. Last evaluated: 2025-12-10. Review status: criteria provided, single submitter. Criteria: Invitae Variant Classification Sherloc (09022015). Collection method: clinical testing. Allele origin: germline.

Ambry Genetics
Classification: Likely benign for Hereditary cancer-predisposing syndrome. Last evaluated: 2022-05-25. Review status: criteria provided, single submitter. Criteria: Ambry Variant Classification Scheme 2023. Collection method: clinical testing. Allele origin: germline.